The following is an entry in ClinVar:

NM_000083.3(CLCN1):c.1730T>G (p.Leu577Arg)

Gene: CLCN1 (chloride voltage-gated channel 1; plus strand). Cytogenetic location: 7q34.
Variant type: single nucleotide variant.
Coding change: c.1730T>G on transcript NM_000083.3 (MANE Select); coding-DNA position 1730, T replaced by G.
Protein change: p.Leu577Arg; replaces leucine 577 with arginine.
Molecular consequence: missense variant. On other transcripts: non-coding transcript variant (1).
Genome position (GRCh38, 1-based): chr7:143,342,076, T>G. VCF-style: chr7-143342076-T-G. GRCh37 (hg19) VCF-style: chr7-143039169-T-G.
Other names: c.1730T>G (NM_000083.2); short protein forms L577R.
Identifiers: ClinVar variation 1299098 (VCV001299098.36), dbSNP rs2116373216, ClinGen allele CA369646651.

ClinVar aggregate classification (germline): Uncertain significance. Review status: criteria provided, multiple submitters, no conflicts (2 of 4 stars). 2 submissions from 2 submitters: Uncertain significance (2). Last evaluated 2023-02-17.

Submissions (2):

GeneDx
Classification: Uncertain significance. Last evaluated: 2023-02-17. Review status: criteria provided, single submitter. Criteria: GeneDx Variant Classification Process June 2021. Collection method: clinical testing. Allele origin: germline. Affected: yes.
Comment: Not observed at significant frequency in large population cohorts (gnomAD); In silico analysis supports that this missense variant has a deleterious effect on protein structure/function; Has not been previously published as pathogenic or benign to our knowledge

CeGaT Center for Human Genetics Tuebingen
Classification: Uncertain significance. Last evaluated: 2021-09-01. Review status: criteria provided, single submitter. Criteria: CeGaT Center For Human Genetics Tuebingen Variant Classification Criteria Version 2. Collection method: clinical testing. Allele origin: germline. Affected: yes. Observed: 1 variant allele.